The following is an entry in ClinVar:

NM_000070.3(CAPN3):c.1560G>A (p.Leu520=)

Gene: CAPN3 (calpain 3; plus strand). Cytogenetic location: 15q15.1.
Variant type: single nucleotide variant.
Coding change: c.1560G>A on transcript NM_000070.3 (MANE Select); coding-DNA position 1560, G replaced by A.
Protein change: p.Leu520=; no amino-acid change (leucine 520 retained).
Molecular consequence: synonymous variant.
Genome position (GRCh38, 1-based): chr15:42,402,817, G>A. VCF-style: chr15-42402817-G-A. GRCh37 (hg19) VCF-style: chr15-42695015-G-A.
Other names: c.1560G>A, p.Leu520= (NM_024344.2); c.1416G>A, p.Leu472= (NM_173087.2); c.24G>A, p.Leu8= (NM_173088.2); c.*676G>A (NM_212464.2); c.*1253G>A (NM_212467.2).
Identifiers: ClinVar variation 3057633 (VCV003057633.3), dbSNP rs762223179, ClinGen allele CA7511435.

ClinVar aggregate classification (germline): Conflicting classifications of pathogenicity. Review status: no assertion criteria provided (0 of 4 stars). 2 submissions from 2 submitters: Uncertain significance (1); Likely benign (1). Last evaluated 2025-04-10.

Conditions:
Autosomal recessive limb-girdle muscular dystrophy type 2A (LGMDR1). Also called: LEYDEN-MOEBIUS MUSCULAR DYSTROPHY; MUSCULAR DYSTROPHY, PELVOFEMORAL; Muscular dystrophy, limb-girdle, type 2A, Amish; Limb-girdle muscular dystrophy, type 2A; Calpainopathy. Identifiers: Orphanet 267, MedGen C1869123, MONDO:0009675, OMIM 253600. Disease mechanism: loss of function.
CAPN3-related disorder. Also called: CAPN3-related disorders; CAPN3-related condition. Identifiers: MedGen CN239245.

Allele frequency attached by ClinVar (database versions not stated): gnomAD exomes below 0.00001; ExAC 0.00001; TOPMed 0.00001.
gnomAD v4.1: 3 of 1,614,202 alleles (0.00019%); highest among the groups gnomAD compares: Middle Eastern, 0.016%; no homozygotes.

Submissions (2):

Natera, Inc.
Classification: Uncertain significance for Limb-girdle muscular dystrophy type 2A. Last evaluated: 2025-04-10. Review status: no assertion criteria provided. Collection method: clinical testing. Allele origin: germline.

PreventionGenetics, part of Exact Sciences
Classification: Likely benign for CAPN3-related condition. Last evaluated: 2022-02-23. Review status: no assertion criteria provided. Collection method: clinical testing. Allele origin: germline.
Comment: This variant is classified as likely benign based on ACMG/AMP sequence variant interpretation guidelines (Richards et al. 2015 PMID: 25741868, with internal and published modifications).